The following is an entry in ClinVar:

NM_000834.5(GRIN2B):c.3303_3308del (p.Glu1101_Phe1102del)

Gene: GRIN2B (glutamate ionotropic receptor NMDA type subunit 2B; minus strand). Cytogenetic location: 12p13.1.
Variant type: Deletion.
Coding change: c.3303_3308del on transcript NM_000834.5 (MANE Select); coding-DNA positions 3303 to 3308, 6 bases deleted (GTTTGA; older notation c.3303_3308delGTTTGA).
Protein change: p.Glu1101_Phe1102del.
Genome position (GRCh38, 1-based): chr12:13,563,930-13,563,935, TCAAAC deleted on the plus strand (GTTTGA on the coding strand, the reverse complement: GRIN2B is on the minus strand); deleting any 6 consecutive bases within chr12:13,563,930-13,563,937 gives the same sequence; the c. name uses the placement nearest the transcript's 3' end. VCF-style (leftmost placement, unchanged base first): chr12-13563929-GTCAAAC-G. GRCh37 (hg19) VCF-style: chr12-13716863-GTCAAAC-G.
Other names: c.3303_3308del, p.Glu1101_Phe1102del (NM_001413992.1).
Identifiers: ClinVar variation 4267041 (VCV004267041.1).

ClinVar aggregate classification (germline): Uncertain significance (1 of 4 stars; one submission).

Conditions:
Inborn genetic diseases. Identifiers: MedGen C0950123, MeSH D030342.

Submission:

Ambry Genetics
Classification: Uncertain significance for Inborn genetic diseases. Last evaluated: 2025-06-18. Review status: criteria provided, single submitter. Criteria: Ambry Variant Classification Scheme 2023. Collection method: clinical testing. Allele origin: germline.
Comment: The c.3303_3308delGTTTGA alteration, located in coding exon 12 of the GRIN2B gene, results from an in-frame deletion of 6 nucleotides at positions c.3303 to c.3308. This results in the deletion of 2 amino acids between codons 1101 and 1102. This variant was not reported in population-based cohorts in the Genome Aggregation Database (gnomAD). These amino acid positions are not well conserved in available vertebrate species. This alteration is predicted to be deleterious by in silico analysis (Choi, 2012). Based on insufficient or conflicting evidence, the clinical significance of this alteration remains unclear.